The following is an entry in ClinVar:

ClinVar aggregate classification (germline): Uncertain significance (1 of 4 stars; one submission).

Conditions:
Baller-Gerold syndrome (BGS). Also called: CRANIOSYNOSTOSIS WITH RADIAL DEFECTS. Identifiers: Orphanet 1225, MedGen C0265308, MONDO:0009039, OMIM 218600.

Submission:

Labcorp Genetics (formerly Invitae), Labcorp
Classification: Uncertain significance for Baller-Gerold syndrome. Last evaluated: 2025-07-07. Review status: criteria provided, single submitter. Criteria: Invitae Variant Classification Sherloc (09022015). Collection method: clinical testing. Allele origin: germline.
Comment: This sequence change falls in intron 18 of the RECQL4 gene. It does not directly change the encoded amino acid sequence of the RECQL4 protein. This variant is not present in population databases (gnomAD no frequency). This variant has not been reported in the literature in individuals affected with RECQL4-related conditions. ClinVar contains an entry for this variant (Variation ID: 1515263). Experimental studies and prediction algorithms are not available or were not evaluated, and the effect of this variant on mRNA splicing is currently unknown. In summary, the available evidence is currently insufficient to determine the role of this variant in disease. Therefore, it has been classified as a Variant of Uncertain Significance.

NM_004260.4(RECQL4):c.3237-34_3237-5dup

Gene: RECQL4 (RecQ like helicase 4; minus strand). Cytogenetic location: 8q24.3.
Variant type: Duplication.
Coding change: c.3237-34_3237-5dup on transcript NM_004260.4 (MANE Select); 34 bases into the intron before coding-DNA position 3237 through 5 bases into the intron before coding-DNA position 3237, 30 bases duplicated (GCAGTGATCAGCTCTGACAGGCTCCTCCCC).
Molecular consequence: intron variant.
Genome position (GRCh38, 1-based): chr8:144,512,072-144,512,101, GGGGAGGAGCCTGTCAGAGCTGATCACTGC duplicated on the plus strand (GCAGTGATCAGCTCTGACAGGCTCCTCCCC on the coding strand, the reverse complement: RECQL4 is on the minus strand); duplicating any 30 consecutive bases within chr8:144,512,072-144,512,104 gives the same sequence; the c. name uses the placement nearest the transcript's 3' end. VCF-style (leftmost placement, unchanged base first): chr8-144512071-T-TGGGGAGGAGCCTGTCAGAGCTGATCACTGC. GRCh37 (hg19) VCF-style: chr8-145737454-T-TGGGGAGGAGCCTGTCAGAGCTGATCACTGC.
Identifiers: ClinVar variation 1515263 (VCV001515263.8), dbSNP rs2130656481, ClinGen allele CA2573143051.
Genomic context (GRCh38, chr8:144,512,071, plus strand): 5'-GTGCTGCGCTCCTCATCCTGCTGCTCCAGGCAGGGCCCGCAGCTGGGGAAGGCTACGCTG[T>TGGGGAGGAGCCTGTCAGAGCTGATCACTGC]GGGGAGGAGCCTGTCAGAGCTGATCACTGCGGGAGGGTGGATGGTCCCAGGCCCCGCCCG-3'